The following is an entry in ClinVar:

NM_000455.5(STK11):c.262A>T (p.Ile88Phe)

Gene: STK11 (serine/threonine kinase 11; plus strand). Cytogenetic location: 19p13.3.
Variant type: single nucleotide variant.
Coding change: c.262A>T on transcript NM_000455.5 (MANE Select); coding-DNA position 262, A replaced by T.
Protein change: p.Ile88Phe; replaces isoleucine 88 with phenylalanine.
Molecular consequence: missense variant. On other transcripts: non-coding transcript variant (1).
Genome position (GRCh38, 1-based): chr19:1,207,175, A>T. VCF-style: chr19-1207175-A-T. GRCh37 (hg19) VCF-style: chr19-1207174-A-T.
Other names: c.262A>T, p.Ile88Phe (NM_001407255.1); short protein forms I88F.
Identifiers: ClinVar variation 3231742 (VCV003231742.1), dbSNP rs2080673286, ClinGen allele CA402944551.

ClinVar aggregate classification (germline): Uncertain significance (1 of 4 stars; one submission).

Conditions:
Hereditary cancer-predisposing syndrome. Also called: Neoplastic Syndromes, Hereditary; Tumor predisposition; Hereditary neoplastic syndrome; Hereditary Cancer Syndrome. Identifiers: Orphanet 140162, MedGen C0027672, MeSH D009386, MONDO:0015356.

Submission:

Ambry Genetics
Classification: Uncertain significance for Hereditary cancer-predisposing syndrome. Last evaluated: 2024-01-27. Review status: criteria provided, single submitter. Criteria: Ambry Variant Classification Scheme 2023. Collection method: clinical testing. Allele origin: germline.
Comment: The p.I88F variant (also known as c.262A>T), located in coding exon 1 of the STK11 gene, results from an A to T substitution at nucleotide position 262. The isoleucine at codon 88 is replaced by phenylalanine, an amino acid with highly similar properties. This amino acid position is conserved. In addition, the in silico prediction for this alteration is inconclusive. Based on the available evidence, the clinical significance of this alteration remains unclear.